The following is an entry in ClinVar:

NM_018026.4(PACS1):c.1814C>T (p.Ala605Val)

Gene: PACS1 (phosphofurin acidic cluster sorting protein 1; plus strand). Cytogenetic location: 11q13.2.
Variant type: single nucleotide variant.
Coding change: c.1814C>T on transcript NM_018026.4 (MANE Select); coding-DNA position 1814, C replaced by T.
Protein change: p.Ala605Val; replaces alanine 605 with valine.
Molecular consequence: missense variant.
Genome position (GRCh38, 1-based): chr11:66,233,042, C>T. VCF-style: chr11-66233042-C-T. GRCh37 (hg19) VCF-style: chr11-66000513-C-T.
Other names: short protein forms A605V.
Identifiers: ClinVar variation 3626237 (VCV003626237.2).

ClinVar aggregate classification (germline): Uncertain significance (1 of 4 stars; one submission).

Conditions:
Schuurs-Hoeijmakers syndrome. Also called: PACS1-Related Neurodevelopmental Disorder. Identifiers: Orphanet 329224, MedGen C3554343, MONDO:0014006, OMIM 615009.

Submission:

Labcorp Genetics (formerly Invitae), Labcorp
Classification: Uncertain significance for Schuurs-Hoeijmakers syndrome. Last evaluated: 2024-07-01. Review status: criteria provided, single submitter. Criteria: Invitae Variant Classification Sherloc (09022015). Collection method: clinical testing. Allele origin: germline.
Comment: This sequence change replaces alanine, which is neutral and non-polar, with valine, which is neutral and non-polar, at codon 605 of the PACS1 protein (p.Ala605Val). This variant is not present in population databases (gnomAD no frequency). This variant has not been reported in the literature in individuals affected with PACS1-related conditions. Advanced modeling of protein sequence and biophysical properties (such as structural, functional, and spatial information, amino acid conservation, physicochemical variation, residue mobility, and thermodynamic stability) performed at Invitae indicates that this missense variant is not expected to disrupt PACS1 protein function with a negative predictive value of 80%. In summary, the available evidence is currently insufficient to determine the role of this variant in disease. Therefore, it has been classified as a Variant of Uncertain Significance.